The following is an entry in ClinVar:

NM_000059.4(BRCA2):c.4914dup (p.Val1639fs)

Gene: BRCA2 (BRCA2 DNA repair associated; plus strand). Cytogenetic location: 13q13.1.
Variant type: Duplication.
Coding change: c.4914dup on transcript NM_000059.4 (MANE Select); coding-DNA position 4914, one base duplicated (A; older notation c.4914dupA).
Protein change: p.Val1639fs; shifts the reading frame from valine 1639.
Molecular consequence: frameshift variant.
Genome position (GRCh38, 1-based): chr13:32,339,269, A duplicated; the last of 3 consecutive A bases (chr13:32,339,267-32,339,269); duplicating any one gives the same sequence. VCF-style (leftmost placement, unchanged base first): chr13-32339266-T-TA. GRCh37 (hg19) VCF-style: chr13-32913403-T-TA.
Other names: c.4914dupA (NM_000059.3); short protein forms V1639fs.
Identifiers: ClinVar variation 187127 (VCV000187127.21), dbSNP rs786203494, ClinGen allele CA196801.

ClinVar aggregate classification (germline): Pathogenic. Review status: reviewed by expert panel (3 of 4 stars). 5 submissions from 5 submitters: Pathogenic (1). 4 of the submissions do not count toward it. Last evaluated 2016-09-08.

Conditions:
Familial cancer of breast. Also called: hereditary breast carcinoma; BREAST CANCER, FAMILIAL; Hereditary breast cancer. Identifiers: Orphanet 227535, MedGen C0346153, MONDO:0016419, OMIM 114480. Disease mechanism: loss of function.
Breast-ovarian cancer, familial, susceptibility to, 2 (BROVCA2). Also called: BRCA2 Hereditary Breast and Ovarian Cancer. Identifiers: Orphanet 145, MedGen C2675520, MONDO:0012933, OMIM 612555. Disease mechanism: loss of function.
Fanconi anemia complementation group D1. Also called: BRCA2-Related Fanconi Anemia. Identifiers: Orphanet 319462, MedGen C1838457, MONDO:0011584, OMIM 605724.
Medulloblastoma (MDB). Also called: Medulloblastoma, somatic; MEDULLOBLASTOMA PREDISPOSITION SYNDROME. Identifiers: Orphanet 616, MedGen C0025149, MeSH D008527, MONDO:0007959, OMIM 155255, HP:0002885.
Prostate cancer. Also called: Malignant tumor of prostate. Identifiers: Orphanet 1331, MedGen C0376358, MONDO:0008315, HP:0012125.
Wilms tumor 1 (WT1). Also called: Wilms tumor, somatic. Identifiers: Orphanet 654, MedGen CN033288, MONDO:0008679, OMIM 194070.
Pancreatic cancer, susceptibility to, 2. Identifiers: Orphanet 1333, MedGen C3150546, MONDO:0013235, OMIM 613347.
Glioma susceptibility 3 (GLM3). Also called: Glioblastoma 3. Identifiers: Orphanet 182067, Orphanet 360, MedGen C2751641, MONDO:0013093, OMIM 613029.
Hereditary cancer-predisposing syndrome. Also called: Neoplastic Syndromes, Hereditary; Hereditary neoplastic syndrome; Hereditary Cancer Syndrome; Tumor predisposition. Identifiers: Orphanet 140162, MedGen C0027672, MeSH D009386, MONDO:0015356.
Hereditary breast ovarian cancer syndrome. Also called: BRCA1- and BRCA2-Associated Hereditary Breast and Ovarian Cancer; Hereditary breast and ovarian cancer syndrome; Hereditary breast and ovarian cancer syndrome (HBOC); Hereditary breast and ovarian cancer; Breast and ovarian cancer; Hereditary breast and/or ovarian cancer syndrome. Identifiers: Orphanet 145, MedGen C0677776, MeSH D061325, MONDO:0003582. Disease mechanism: loss of function.

Submissions (5):

Evidence-based Network for the Interpretation of Germline Mutant Alleles (ENIGMA)
Classification: Pathogenic for Breast-ovarian cancer, familial, susceptibility to, 2. Last evaluated: 2016-09-08. Review status: reviewed by expert panel. Criteria: ENIGMA BRCA1/2 Classification Criteria (2015). Collection method: curation. Allele origin: germline.
Comment: Variant allele predicted to encode a truncated non-functional protein.

Labcorp Genetics (formerly Invitae), Labcorp
Classification: Pathogenic for Hereditary breast ovarian cancer syndrome. Last evaluated: 2026-01-18. Review status: criteria provided, single submitter. Criteria: Invitae Variant Classification Sherloc (09022015). Collection method: clinical testing. Allele origin: germline. Not counted in ClinVar's aggregate classification.
Comment: This sequence change creates a premature translational stop signal (p.Val1639Serfs*3) in the BRCA2 gene. It is expected to result in an absent or disrupted protein product. Loss-of-function variants in BRCA2 are known to be pathogenic (PMID: 20104584). This variant is present in population databases (rs786203494, gnomAD 0.003%). This variant has not been reported in the literature in individuals affected with BRCA2-related conditions. This variant is also known as c.4912dupA, p.V1637fs. ClinVar contains an entry for this variant (Variation ID: 187127). For these reasons, this variant has been classified as Pathogenic.

Ambry Genetics
Classification: Pathogenic for Hereditary cancer-predisposing syndrome. Last evaluated: 2023-04-20. Review status: criteria provided, single submitter. Criteria: Ambry Variant Classification Scheme 2023. Collection method: clinical testing. Allele origin: germline. Not counted in ClinVar's aggregate classification.
Comment: The c.4914dupA pathogenic mutation, located in coding exon 10 of the BRCA2 gene, results from a duplication of A at nucleotide position 4914, causing a translational frameshift with a predicted alternate stop codon (p.V1639Sfs*3). This variant has been reported in multiple breast and/or ovarian cancer cohorts (Wang YA et al. BMC Cancer, 2018 Mar;18:315; Shao D et al. Cancer Sci, 2020 Feb;111:647-657; Dorling et al. N Engl J Med 2021 02;384:428-439; Yang L et al. Int J Mol Sci, 2022 Sep;23; Yao L et al. J Hum Genet, 2022 Nov;67:639-642). Of note, this alteration is also designated as c.4914_4915insA and c.4911_4912insA in the literature. In addition to the clinical data presented in the literature, this alteration is expected to result in loss of function by premature protein truncation or nonsense-mediated mRNA decay. As such, this alteration is interpreted as a disease-causing mutation.

Baylor Genetics
Classification: Pathogenic for Familial cancer of breast. Last evaluated: 2022-08-13. Review status: criteria provided, single submitter. Criteria: ACMG Guidelines, 2015. Collection method: clinical testing. Allele origin: unknown. Not counted in ClinVar's aggregate classification.

Fulgent Genetics
Classification: Pathogenic for Familial cancer of breast; Medulloblastoma; Familial prostate cancer; Wilms tumor 1; Fanconi anemia complementation group D1; Breast-ovarian cancer, familial, susceptibility to, 2; Glioma susceptibility 3; Pancreatic cancer, susceptibility to, 2. Last evaluated: 2022-04-10. Review status: criteria provided, single submitter. Criteria: ACMG Guidelines, 2015. Collection method: clinical testing. Allele origin: unknown. Not counted in ClinVar's aggregate classification.

Literature cited by the submitters: PubMed 20104584 (cited by Labcorp Genetics (formerly Invitae), Labcorp); PubMed 29566657 (cited by Ambry Genetics); PubMed 31742824 (cited by Ambry Genetics); PubMed 33471991 (cited by Ambry Genetics); PubMed 35864222 (cited by Ambry Genetics); PubMed 36232564 (cited by Ambry Genetics).